The following is an entry in ClinVar:

NM_000785.4(CYP27B1):c.305G>A (p.Gly102Glu)

Gene: CYP27B1 (cytochrome P450 family 27 subfamily B member 1; minus strand). Cytogenetic location: 12q14.1.
Variant type: single nucleotide variant.
Coding change: c.305G>A on transcript NM_000785.4 (MANE Select); coding-DNA position 305, G replaced by A.
Protein change: p.Gly102Glu; replaces glycine 102 with glutamic acid.
Molecular consequence: missense variant.
Genome position (GRCh38, 1-based): chr12:57,766,088, C>T on the plus strand (G>A on the coding strand, the complement: CYP27B1 is on the minus strand). VCF-style: chr12-57766088-C-T. GRCh37 (hg19) VCF-style: chr12-58159871-C-T.
Other names: short protein forms G102E.
Identifiers: ClinVar variation 380287 (VCV000380287.2), dbSNP rs1057520815, ClinGen allele CA16606366.
Genomic context (GRCh38, chr12:57,766,088, plus strand): 5'-CGCTGGCGGCAGCGGCGGTGCTCCGTCCAGGGCGAGAAGCTGCAGCGCTCGGGCCGGGGT[C>T]CCTCCTGTCGCAGCAGCTCCTCGACGAGTGCAGGGGCAGCCACGTACACGGTGCGCACTG-3'
Protein context (NP_000776.1, residues 92-112): ALVEELLRQE[Gly102Glu]PRPERCSFSP

ClinVar aggregate classification (germline): Pathogenic. Review status: criteria provided, single submitter (1 of 4 stars). 2 submissions from 2 submitters: Pathogenic (1). 1 of the submissions does not count toward it. Last evaluated 2017-01-26.

Conditions:
Vitamin D-dependent rickets, type 1 (VDD1). Also called: VITAMIN D DEPENDENCY, TYPE 1. Identifiers: Orphanet 289157, MedGen C0268689, MONDO:0009924.

Submissions (2):

GeneDx
Classification: Pathogenic. Last evaluated: 2017-01-26. Review status: criteria provided, single submitter. Criteria: GeneDx Variant Classification (06012015). Collection method: clinical testing. Allele origin: germline. Affected: yes.
Comment: The G102E pathogenic variant in the CYP27B1 gene has been reported previously in six individuals from a largeconsanguineous family with a progressive form of rickets and growth retardation (Alzahrani et al., 2010). Functionalstudies of G102E demonstrated a significant reduction in enzyme activity (Alzahrani et al., 2010). The G102E variantwas not observed (average read depth 7.0) in approximately 6300 individuals of European and African Americanancestry in the NHLBI Exome Sequencing Project, indicating it is not a common benign variant in thesepopulations. The G102E variant is a non-conservative amino acid substitution, which occurs at a position that isconserved across species. We interpret G102E as a pathogenic variant.

Biochemical Molecular Genetic Laboratory, King Abdulaziz Medical City
Classification: Pathogenic for Vitamin D-dependent rickets, type 1A. Last evaluated: 2018-06-05. Review status: no assertion criteria provided. Collection method: clinical testing. Allele origin: germline. Affected: yes. Not counted in ClinVar's aggregate classification.